The following is an entry in ClinVar:

ClinVar aggregate classification (germline): Uncertain significance. Review status: criteria provided, multiple submitters, no conflicts (2 of 4 stars). 2 submissions from 2 submitters: Uncertain significance (2). Last evaluated 2025-11-06.

Allele frequency attached by ClinVar (database versions not stated): gnomAD exomes 0.00001 and 0.00005; ExAC 0.00008; gnomAD 0.00014 and 0.00015; TOPMed 0.00014; ESP Exome Variant Server 0.00016; 1000 Genomes Project 0.00040; 1000 Genomes Project 30x 0.00094.

Submissions (2):

Ambry Genetics
Classification: Uncertain significance. Last evaluated: 2025-11-06. Review status: criteria provided, single submitter. Criteria: Ambry Variant Classification Scheme 2023. Collection method: clinical testing. Allele origin: germline.

Labcorp Genetics (formerly Invitae), Labcorp
Classification: Uncertain significance. Last evaluated: 2024-11-11. Review status: criteria provided, single submitter. Criteria: Invitae Variant Classification Sherloc (09022015). Collection method: clinical testing. Allele origin: germline.
Comment: This sequence change replaces methionine, which is neutral and non-polar, with threonine, which is neutral and polar, at codon 121 of the CLCC1 protein (p.Met121Thr). This variant is present in population databases (rs369573229, gnomAD 0.04%). This variant has not been reported in the literature in individuals affected with CLCC1-related conditions. ClinVar contains an entry for this variant (Variation ID: 965995). An algorithm developed to predict the effect of missense changes on protein structure and function (PolyPhen-2) suggests that this variant is likely to be tolerated. In summary, the available evidence is currently insufficient to determine the role of this variant in disease. Therefore, it has been classified as a Variant of Uncertain Significance.

NM_001377458.1(CLCC1):c.362T>C (p.Met121Thr)

Gene: CLCC1 (chloride channel CLIC like 1; minus strand). Cytogenetic location: 1p13.3.
Variant type: single nucleotide variant.
Coding change: c.362T>C on transcript NM_001377458.1 (MANE Select); coding-DNA position 362, T replaced by C.
Protein change: p.Met121Thr; replaces methionine 121 with threonine.
Molecular consequence: missense variant. On other transcripts: non-coding transcript variant (1), intron variant (3).
Genome position (GRCh38, 1-based): chr1:108,944,035, A>G on the plus strand (T>C on the coding strand, the complement: CLCC1 is on the minus strand). VCF-style: chr1-108944035-A-G. GRCh37 (hg19) VCF-style: chr1-109486657-A-G.
Other names: c.362T>C, p.Met121Thr (NM_001048210.3, NM_001377459.1, NM_001377460.1 and 8 more transcripts); c.260T>C, p.Met87Thr (NM_001377469.1); c.71T>C, p.Met24Thr (NM_001377470.1); c.340-128T>C (NM_015127.5); c.340-2537T>C (NM_001278202.2); c.339+3576T>C (NM_001278203.1); c.362T>C (NM_001048210.1); short protein forms M87T, M121T, M24T.
Identifiers: ClinVar variation 965995 (VCV000965995.8), dbSNP rs369573229, ClinGen allele CA983604.
Genomic context (GRCh38, chr1:108,944,035, plus strand): 5'-AGAAACTTCTGTATTTCTAACAAAGTTTCTCTTTTAAGGATAATCTCAGCATCATAATGC[A>G]TATCGCCTTTGTTTTCATCAGGCTAAATTAAATTTACCAAAAAACAAACAATAGAAAGAG-3'
Protein context (NP_001364387.1, residues 111-131): LGLPDENKGD[Met121Thr]HYDAEIILKR